The following is an entry in ClinVar:

ClinVar aggregate classification (germline): Uncertain significance. Review status: criteria provided, single submitter (1 of 4 stars). 2 submissions from 2 submitters: Uncertain significance (1). 1 of the submissions does not count toward it. Last evaluated 2018-01-12.

Conditions:
Treacher Collins syndrome 3 (TCS3). Also called: POLR1C-Related Treacher Collins Syndrome. Identifiers: Orphanet 861, MedGen C1855433, MONDO:0009558, OMIM 248390.
POLR1C-related disorder. Also called: POLR1C-related disorders; POLR1C-related condition. Identifiers: MedGen CN239394, MONDO:0700278.

Allele frequency attached by ClinVar (database versions not stated): gnomAD 0.00076 and 0.00081; TOPMed 0.00091; 1000 Genomes Project 30x 0.00062; 1000 Genomes Project 0.00040; ESP Exome Variant Server 0.00069.
gnomAD v4.1: 251 of 1,614,144 alleles (0.016%); highest among the groups gnomAD compares: African/African-American, 0.2%; no homozygotes.

Submissions (2):

Illumina Laboratory Services, Illumina
Classification: Uncertain significance for Treacher Collins syndrome 3. Last evaluated: 2018-01-12. Review status: criteria provided, single submitter. Criteria: ICSL Variant Classification Criteria 13 December 2019. Collection method: clinical testing. Allele origin: germline.

PreventionGenetics, part of Exact Sciences
Classification: Likely benign for POLR1C-related condition. Last evaluated: 2019-11-06. Review status: no assertion criteria provided. Collection method: clinical testing. Allele origin: germline. Not counted in ClinVar's aggregate classification.
Comment: This variant is classified as likely benign based on ACMG/AMP sequence variant interpretation guidelines (Richards et al. 2015 PMID: 25741868, with internal and published modifications).

NM_203290.4(POLR1C):c.-8G>A

Genes: POLR1C (RNA polymerase I and III subunit C; plus strand), LOC129996517 (ATAC-STARR-seq lymphoblastoid active region 24602; plus strand). Cytogenetic location: 6p21.1.
Variant type: single nucleotide variant.
Coding change: c.-8G>A on transcript NM_203290.4 (MANE Select); 8 bases upstream of the start codon, G replaced by A.
Molecular consequence: 5 prime UTR variant.
Genome position (GRCh38, 1-based): chr6:43,517,102, G>A. VCF-style: chr6-43517102-G-A. GRCh37 (hg19) VCF-style: chr6-43484840-G-A.
Other names: c.-8G>A (NM_001318876.2, NM_001363658.2, NM_203290.3).
Identifiers: ClinVar variation 909506 (VCV000909506.6), dbSNP rs142683244, ClinGen allele CA3825256.
Genomic context (GRCh38, chr6:43,517,102, plus strand): 5'-GGAGACGGAGCAGGGCTACTAGGACGCACGCGCGAGATAGAACCTCTAGTCTCGTGGAGA[G>A]ATTGAAGATGGCGGCTTCTCAGGCGGTGGAGGAAATGCGGAGCCGCGTGGTTCTGGGGGA-3'